The following is an entry in ClinVar:

NM_032444.4(SLX4):c.1799C>T (p.Pro600Leu)

Gene: SLX4 (SLX4 structure-specific endonuclease subunit; minus strand). Cytogenetic location: 16p13.3.
Variant type: single nucleotide variant.
Coding change: c.1799C>T on transcript NM_032444.4 (MANE Select); coding-DNA position 1799, C replaced by T.
Protein change: p.Pro600Leu; replaces proline 600 with leucine.
Molecular consequence: missense variant.
Genome position (GRCh38, 1-based): chr16:3,596,278, G>A on the plus strand (C>T on the coding strand, the complement: SLX4 is on the minus strand). VCF-style: chr16-3596278-G-A. GRCh37 (hg19) VCF-style: chr16-3646279-G-A.
Other names: short protein forms P600L.
Identifiers: ClinVar variation 694611 (VCV000694611.7), dbSNP rs749277750, ClinGen allele CA7866407.
Genomic context (GRCh38, chr16:3,596,278, plus strand): 5'-CTCGCCAGGTCCACGAGGTCCTGCAGGGCCTGGTGCTCCCTCTGGCTGGCCGAAGGCGAC[G>A]GGCCCCTGGAGCCACAGCCTGCAGTGGGGGTGCCGTGGAGAGCGGGTGACCTTCGCTCGC-3'
Protein context (NP_115820.2, residues 590-610): TPTAGCGSRG[Pro600Leu]SPSASQREHQ

ClinVar aggregate classification (germline): Uncertain significance. Review status: criteria provided, multiple submitters, no conflicts (2 of 4 stars). 3 submissions from 3 submitters: Uncertain significance (3). Last evaluated 2022-10-17.

Conditions:
Fanconi anemia (FA). Also called: Fanconi's anemia. Identifiers: Orphanet 84, MedGen C0015625, MeSH D005199, MONDO:0019391.
Fanconi anemia complementation group P. Also called: SLX4-Related Fanconi Anemia. Identifiers: Orphanet 84, MedGen C3469542, MONDO:0013499, OMIM 613951.

Allele frequency attached by ClinVar (database versions not stated): ExAC below 0.00001; TOPMed 0.00001.
gnomAD v4.1: 57 of 1,567,122 alleles (0.0036%); highest among the groups gnomAD compares: African/African-American, 0.0054%; no homozygotes.

Submissions (3):

Labcorp Genetics (formerly Invitae), Labcorp
Classification: Uncertain significance for Fanconi anemia. Last evaluated: 2022-10-17. Review status: criteria provided, single submitter. Criteria: Invitae Variant Classification Sherloc (09022015). Collection method: clinical testing. Allele origin: germline.
Comment: This sequence change replaces proline, which is neutral and non-polar, with leucine, which is neutral and non-polar, at codon 600 of the SLX4 protein (p.Pro600Leu). The frequency data for this variant in the population databases is considered unreliable, as metrics indicate poor data quality at this position in the gnomAD database. This missense change has been observed in individual(s) with aplastic anemia (PMID: 24763404). ClinVar contains an entry for this variant (Variation ID: 694611). Algorithms developed to predict the effect of missense changes on protein structure and function output the following: SIFT: "Tolerated"; PolyPhen-2: "Benign"; Align-GVGD: "Class C0". The leucine amino acid residue is found in multiple mammalian species, which suggests that this missense change does not adversely affect protein function. In summary, the available evidence is currently insufficient to determine the role of this variant in disease. Therefore, it has been classified as a Variant of Uncertain Significance.

Fulgent Genetics
Classification: Uncertain significance for Fanconi anemia complementation group P. Last evaluated: 2022-02-04. Review status: criteria provided, single submitter. Criteria: ACMG Guidelines, 2015. Collection method: clinical testing. Allele origin: unknown.

Aflac Cancer and Blood Disorders Center, Children's Healthcare of Atlanta
Classification: Uncertain significance for Fanconi anemia complementation group P. Last evaluated: 2019-10-18. Review status: criteria provided, single submitter. Criteria: ACMG Guidelines, 2015. Collection method: clinical testing. Allele origin: germline. Inheritance: Autosomal recessive inheritance. Affected: no. Observed: 2 variant alleles, 2 heterozygotes. Clinical features observed: Acute lymphoid leukemia (HP:0006721).
Comment: The Pro600Leu variant has been reported in the heterozygous state in a single individual, who was a part of an aplastic anemia cohort. (Collopy et al.2014) This variant has not been seen in the Human Gene Mutation Database (HGMD) or the Exome Aggregate Consortium (ExAC). The physiochemical difference between Pro and Leu as measured by Grantham's Distance is 98. This score is considered a moderate change (PubMed: 4843792, 6442359). Predictive algorithms: 0/10 deleterious; 10/10 tolerated (AGVGD, FATHMM, FATHMMMKL, LRT, METALR, METASVM, MUTATIONASSESSOR, MUTATIONTASTER, PROVEAN, SIFT).

Literature cited by the submitters: PubMed 24763404 (cited by Labcorp Genetics (formerly Invitae), Labcorp).